The following is an entry in ClinVar:

ClinVar aggregate classification (germline): Uncertain significance. Review status: criteria provided, multiple submitters, no conflicts (2 of 4 stars). 2 submissions from 2 submitters: Uncertain significance (2). Last evaluated 2026-01-25.

Conditions:
Brachyolmia-amelogenesis imperfecta syndrome. Also called: PLATYSPONDYLY WITH AMELOGENESIS IMPERFECTA; Tooth agenesis, selective, 6; Dental anomalies and short stature. Identifiers: Orphanet 2899, MedGen C1832594, MONDO:0011018, OMIM 601216. Disease mechanism: loss of function.
Inborn genetic diseases. Identifiers: MedGen C0950123, MeSH D030342.

Allele frequency attached by ClinVar (database versions not stated): ExAC 0.00002; gnomAD 0.00002; gnomAD exomes 0.00002 and 0.00008; TOPMed 0.00005.
gnomAD v4.1: 111 of 1,612,464 alleles (0.0069%); highest among the groups gnomAD compares: Non-Finnish European, 0.0092%; no homozygotes.

Submissions (2):

Labcorp Genetics (formerly Invitae), Labcorp
Classification: Uncertain significance for Brachyolmia-amelogenesis imperfecta syndrome. Last evaluated: 2026-01-25. Review status: criteria provided, single submitter. Criteria: Invitae Variant Classification Sherloc (09022015). Collection method: clinical testing. Allele origin: germline.
Comment: This sequence change replaces serine, which is neutral and polar, with arginine, which is basic and polar, at codon 306 of the LTBP3 protein (p.Ser306Arg). This variant is present in population databases (rs771290855, gnomAD 0.007%). This variant has not been reported in the literature in individuals affected with LTBP3-related conditions. ClinVar contains an entry for this variant (Variation ID: 1438210). An algorithm developed to predict the effect of missense changes on protein structure and function (PolyPhen-2) suggests that this variant is likely to be disruptive. In summary, the available evidence is currently insufficient to determine the role of this variant in disease. Therefore, it has been classified as a Variant of Uncertain Significance.

Ambry Genetics
Classification: Uncertain significance for Inborn genetic diseases. Last evaluated: 2023-01-26. Review status: criteria provided, single submitter. Criteria: Ambry Variant Classification Scheme 2023. Collection method: clinical testing. Allele origin: germline.

NM_001130144.3(LTBP3):c.918C>A (p.Ser306Arg)

Gene: LTBP3 (latent transforming growth factor beta binding protein 3; minus strand). Cytogenetic location: 11q13.1.
Variant type: single nucleotide variant.
Coding change: c.918C>A on transcript NM_001130144.3 (MANE Select); coding-DNA position 918, C replaced by A.
Protein change: p.Ser306Arg; replaces serine 306 with arginine.
Molecular consequence: missense variant.
Genome position (GRCh38, 1-based): chr11:65,553,477, G>T on the plus strand (C>A on the coding strand, the complement: LTBP3 is on the minus strand). VCF-style: chr11-65553477-G-T. GRCh37 (hg19) VCF-style: chr11-65320948-G-T.
Other names: c.567C>A, p.Ser189Arg (NM_001164266.1); c.918C>A, p.Ser306Arg (NM_021070.4); short protein forms S189R, S306R.
Identifiers: ClinVar variation 1438210 (VCV001438210.8), dbSNP rs771290855, ClinGen allele CA6101130.
Genomic context (GRCh38, chr11:65,553,477, plus strand): 5'-GCACTCACACTGCAGCTGGGGACACTTGTGGCACTTGCTCTGGCCCCAGGCAGTGCCGAT[G>T]CTACCGCAGCAGTCTTCCTGCTTGGTGAGGCCGGGGAGGGGGTTGCTGCCACACTAGGGG-3'
Protein context (NP_001123616.1, residues 296-316): GLTKQEDCCG[Ser306Arg]IGTAWGQSKC